The following is an entry in ClinVar:

ClinVar aggregate classification (germline): Likely benign. Review status: reviewed by expert panel (3 of 4 stars). 4 submissions from 4 submitters: Likely benign (1). 3 of the submissions do not count toward it. Last evaluated 2017-06-29.

Conditions:
Hereditary cancer-predisposing syndrome. Also called: Neoplastic Syndromes, Hereditary; Hereditary neoplastic syndrome; Tumor predisposition; Hereditary Cancer Syndrome. Identifiers: Orphanet 140162, MedGen C0027672, MeSH D009386, MONDO:0015356.
Hereditary breast ovarian cancer syndrome. Also called: Hereditary breast and ovarian cancer syndrome (HBOC); BRCA1- and BRCA2-Associated Hereditary Breast and Ovarian Cancer; Hereditary breast and/or ovarian cancer syndrome; Hereditary breast and ovarian cancer syndrome; Hereditary breast and ovarian cancer; Breast and ovarian cancer. Identifiers: Orphanet 145, MedGen C0677776, MeSH D061325, MONDO:0003582. Disease mechanism: loss of function.
Breast-ovarian cancer, familial, susceptibility to, 1 (BROVCA1). Also called: BRCA1 Hereditary Breast and Ovarian Cancer; OVARIAN CANCER, SUSCEPTIBILITY TO. Identifiers: Orphanet 145, MedGen C2676676, MONDO:0011450, OMIM 604370. Disease mechanism: loss of function.

Allele frequency attached by ClinVar (database versions not stated): gnomAD exomes below 0.00001; ExAC 0.00001.
gnomAD v4.1: 2 of 1,613,964 alleles (0.00012%); highest among the groups gnomAD compares: Non-Finnish European, 0.00017%; no homozygotes.

Submissions (5):

Evidence-based Network for the Interpretation of Germline Mutant Alleles (ENIGMA)
Classification: Likely benign for Breast-ovarian cancer, familial, susceptibility to, 1. Last evaluated: 2017-06-29. Review status: reviewed by expert panel. Criteria: ENIGMA BRCA1/2 Classification Criteria (2017-06-29). Collection method: curation. Allele origin: germline.
Comment: Synonymous substitution variant, with low bioinformatic likelihood to result in a splicing aberration (Splicing prior probability 0.02).

Ambry Genetics
Classification: Uncertain significance for Hereditary cancer-predisposing syndrome. Last evaluated: 2024-10-07. Review status: criteria provided, single submitter. Criteria: Ambry Variant Classification Scheme 2023. Collection method: clinical testing. Allele origin: germline. Not counted in ClinVar's aggregate classification.
Comment: The c.261G>A variant (also known as p.L87L) is located in coding exon 4 of the BRCA1 gene. This variant results from a G to A substitution at nucleotide position 261. This nucleotide substitution does not change the leucine at codon 87. One functional study found that this nucleotide substitution is non-functional in a high-throughput, genome editing, haploid cell survival assay (Findlay GM et al. Nature, 2018 10;562:217-222). This nucleotide position is highly conserved in available vertebrate species. In silico splice site analysis predicts that this alteration may weaken the native splice donor site; however, RNA studies have demonstrated that this alteration does not result in abnormal splicing in the set of samples tested (Ambry internal data). Since supporting evidence is conflicting at this time, the clinical significance of this alteration remains unclear.

Color Diagnostics, LLC DBA Color Health
Classification: Likely benign for Hereditary cancer-predisposing syndrome. Last evaluated: 2024-09-04. Review status: criteria provided, single submitter. Criteria: ACMG Guidelines, 2015. Collection method: clinical testing. Allele origin: germline. Not counted in ClinVar's aggregate classification.

Labcorp Genetics (formerly Invitae), Labcorp
Classification: Uncertain significance for Hereditary breast ovarian cancer syndrome. Last evaluated: 2021-11-20. Review status: criteria provided, single submitter. Criteria: Invitae Variant Classification Sherloc (09022015). Collection method: clinical testing. Allele origin: germline. Not counted in ClinVar's aggregate classification.
Comment: This sequence change affects codon 87 of the BRCA1 mRNA. It is a 'silent' change, meaning that it does not change the encoded amino acid sequence of the BRCA1 protein. This variant is present in population databases (rs757971617, gnomAD 0.0009%). This variant has not been reported in the literature in individuals affected with BRCA1-related conditions. ClinVar contains an entry for this variant (Variation ID: 427354). Algorithms developed to predict the effect of variants on protein structure and function are not available or were not evaluated for this variant. Experimental studies have shown that this variant affects BRCA1 function (PMID: 30209399). Algorithms developed to predict the effect of sequence changes on RNA splicing suggest that this variant is not likely to affect RNA splicing. In summary, the available evidence is currently insufficient to determine the role of this variant in disease. Therefore, it has been classified as a Variant of Uncertain Significance.

Brotman Baty Institute, University of Washington
No classification provided (evidence only). Condition: Breast-ovarian cancer, familial 1. Review status: no classification provided. Collection method: in vitro. Allele origin: not applicable. Functional consequence: functionally_abnormal. Not counted in ClinVar's aggregate classification.
ClinVar note: "not provided" was previously submitted as the classification for the variant. However, the classification appeared to be based only on an observation of functional data so it was converted to no classification on 2025-07-30.

Literature cited by the submitters: PubMed 30209399 (cited by Ambry Genetics and Labcorp Genetics (formerly Invitae), Labcorp).

NM_007294.4(BRCA1):c.261G>A (p.Leu87=)

Gene: BRCA1 (BRCA1 DNA repair associated; minus strand). Cytogenetic location: 17q21.31.
Variant type: single nucleotide variant.
Coding change: c.261G>A on transcript NM_007294.4 (MANE Select); coding-DNA position 261, G replaced by A.
Protein change: p.Leu87=; no amino-acid change (leucine 87 retained).
Molecular consequence: synonymous variant. On other transcripts: 5 prime UTR variant (7), intron variant (2).
Genome position (GRCh38, 1-based): chr17:43,104,908, C>T on the plus strand (G>A on the coding strand, the complement: BRCA1 is on the minus strand). VCF-style: chr17-43104908-C-T. GRCh37 (hg19) VCF-style: chr17-41256925-C-T.
Other names: c.51G>A, p.Leu17= (NM_001407571.1, NM_001407853.1, NM_001407879.1 and 58 more transcripts); c.261G>A, p.Leu87= (NM_001407581.1, NM_001407582.1, NM_001407583.1 and 168 more transcripts); c.183G>A, p.Leu61= (NM_001407653.1, NM_001407654.1, NM_001407655.1 and 21 more transcripts); c.120G>A, p.Leu40= (NM_001407692.1, NM_001407694.1, NM_001407695.1 and 99 more transcripts); c.-121G>A (NM_001407959.1, NM_001407960.1, NM_001407962.1 and 4 more transcripts); c.129G>A, p.Leu43= (NM_001408451.1); c.-218-10048G>A (NM_001407967.1, NM_001407966.1).
Identifiers: ClinVar variation 427354 (VCV000427354.16), dbSNP rs757971617, ClinGen allele CA055508.